The following is an entry in ClinVar:

NM_015909.4(NBAS):c.245G>A (p.Arg82His)

Gene: NBAS (NBAS subunit of NRZ tethering complex; minus strand). Cytogenetic location: 2p24.3.
Variant type: single nucleotide variant.
Coding change: c.245G>A on transcript NM_015909.4 (MANE Select); coding-DNA position 245, G replaced by A.
Protein change: p.Arg82His; replaces arginine 82 with histidine.
Molecular consequence: missense variant. On other transcripts: non-coding transcript variant (1).
Genome position (GRCh38, 1-based): chr2:15,554,103, C>T on the plus strand (G>A on the coding strand, the complement: NBAS is on the minus strand). VCF-style: chr2-15554103-C-T. GRCh37 (hg19) VCF-style: chr2-15694227-C-T.
Other names: short protein forms R82H.
Identifiers: ClinVar variation 1343676 (VCV001343676.4), dbSNP rs763005913, ClinGen allele CA1537149.

ClinVar aggregate classification (germline): Uncertain significance. Review status: criteria provided, multiple submitters, no conflicts (2 of 4 stars). 2 submissions from 2 submitters: Uncertain significance (2). Last evaluated 2023-10-15.

Allele frequency attached by ClinVar (database versions not stated): ExAC 0.00001; gnomAD exomes 0.00002; gnomAD 0.00003 and 0.00004; TOPMed 0.00003.

Submissions (2):

Labcorp Genetics (formerly Invitae), Labcorp
Classification: Uncertain significance. Last evaluated: 2023-10-15. Review status: criteria provided, single submitter. Criteria: Invitae Variant Classification Sherloc (09022015). Collection method: clinical testing. Allele origin: germline.
Comment: This sequence change replaces arginine, which is basic and polar, with histidine, which is basic and polar, at codon 82 of the NBAS protein (p.Arg82His). This variant is present in population databases (rs763005913, gnomAD 0.009%). This variant has not been reported in the literature in individuals affected with NBAS-related conditions. ClinVar contains an entry for this variant (Variation ID: 1343676). Advanced modeling of protein sequence and biophysical properties (such as structural, functional, and spatial information, amino acid conservation, physicochemical variation, residue mobility, and thermodynamic stability) performed at Invitae indicates that this missense variant is not expected to disrupt NBAS protein function. In summary, the available evidence is currently insufficient to determine the role of this variant in disease. Therefore, it has been classified as a Variant of Uncertain Significance.

Women's Health and Genetics/Laboratory Corporation of America, LabCorp
Classification: Uncertain significance. Last evaluated: 2022-02-18. Review status: criteria provided, single submitter. Criteria: LabCorp Variant Classification Summary - May 2015. Collection method: clinical testing. Allele origin: germline.